The following is an entry in ClinVar:

ClinVar aggregate classification (germline): Likely pathogenic. Review status: criteria provided, multiple submitters, no conflicts (2 of 4 stars). 4 submissions from 4 submitters: Likely pathogenic (4). Last evaluated 2025-12-10.

Conditions:
Hereditary cancer-predisposing syndrome. Also called: Neoplastic Syndromes, Hereditary; Hereditary Cancer Syndrome; Tumor predisposition; Hereditary neoplastic syndrome. Identifiers: Orphanet 140162, MedGen C0027672, MeSH D009386, MONDO:0015356.
Familial adenomatous polyposis 2. Also called: FAP type 2; COLORECTAL ADENOMATOUS POLYPOSIS, AUTOSOMAL RECESSIVE; MYH-associated polyposis; MUTYH-associated polyposis; Adenomas, multiple colorectal; ADENOMAS, MULTIPLE COLORECTAL, AUTOSOMAL RECESSIVE. Identifiers: Orphanet 220460, Orphanet 247798, MedGen C3272841, MONDO:0012041, OMIM 608456.

Allele frequency attached by ClinVar (database versions not stated): gnomAD 0.00001.
gnomAD v4.1: 1 of 1,613,712 alleles (0.000062%); highest among the groups gnomAD compares: Non-Finnish European, 0.000085%; no homozygotes.

Submissions (4):

Ambry Genetics
Classification: Likely pathogenic for Hereditary cancer-predisposing syndrome. Last evaluated: 2025-12-10. Review status: criteria provided, single submitter. Criteria: Ambry Variant Classification Scheme 2023. Collection method: clinical testing. Allele origin: germline.
Comment: The c.36+1G>A intronic variant results from a G to A substitution one nucleotide after coding exon 1 of the MUTYH gene. In silico splice site analysis predicts that this alteration will weaken the native splice donor site and will result in the creation or strengthening of a novel splice donor site. The stop codon in the predicted resulting transcript occurs in the 5' end ofthe gene. As such, this alteration may escape nonsense-mediated mRNAdecay and/or be prone to rescue by reinitiation (Rivas et al. Science. 2015 May 8;348(6235):666-9; Lindeboom et al. Nat Genet. 2016 Oct;48(10):1112-8; Rhee et al. Sci Rep. 2017 May 10;7(1):1653). The exact functional effect of this alteration is unknown; however, a significant portion of the protein is affected (Ambry internal data). This variant is considered to be rare based on population cohorts in the Genome Aggregation Database (gnomAD). This nucleotide position is not well conserved in available vertebrate species. Based on the majority of available evidence to date, this variant is likely to be pathogenic.

Labcorp Genetics (formerly Invitae), Labcorp
Classification: Likely pathogenic for Familial adenomatous polyposis 2. Last evaluated: 2025-07-08. Review status: criteria provided, single submitter. Criteria: Invitae Variant Classification Sherloc (09022015). Collection method: clinical testing. Allele origin: germline.
Comment: This sequence change affects a donor splice site in intron 1 of the MUTYH gene. It is expected to disrupt RNA splicing. Variants that disrupt the donor or acceptor splice site typically lead to a loss of protein function (PMID: 16199547), and loss-of-function variants in MUTYH are known to be pathogenic (PMID: 18534194, 20663686). This variant is not present in population databases (gnomAD no frequency). Disruption of this splice site has been observed in individual(s) with colorectal cancer, soft tissue sarcoma (PMID: 16408224, 35988656). ClinVar contains an entry for this variant (Variation ID: 485902). Studies have shown that disruption of this splice site is associated with inconclusive levels of altered splicing (internal data). In summary, the currently available evidence indicates that the variant is pathogenic, but additional data are needed to prove that conclusively. Therefore, this variant has been classified as Likely Pathogenic.

CeGaT Center for Human Genetics Tuebingen
Classification: Likely pathogenic. Last evaluated: 2024-01-01. Review status: criteria provided, single submitter. Criteria: CeGaT Center For Human Genetics Tuebingen Variant Classification Criteria Version 2. Collection method: clinical testing. Allele origin: germline. Affected: yes. Observed: 2 variant alleles.
Comment: MUTYH: PVS1:Strong, PM2, PS4:Supporting

Baylor Genetics
Classification: Likely pathogenic for Familial adenomatous polyposis 2. Last evaluated: 2023-04-16. Review status: criteria provided, single submitter. Criteria: ACMG Guidelines, 2015. Collection method: clinical testing. Allele origin: unknown.

Literature cited by the submitters: PubMed 16408224 (cited by Ambry Genetics and Labcorp Genetics (formerly Invitae), Labcorp); PubMed 19725997 (cited by Ambry Genetics); PubMed 16199547 (cited by Labcorp Genetics (formerly Invitae), Labcorp); PubMed 18534194 (cited by Labcorp Genetics (formerly Invitae), Labcorp); PubMed 20663686 (cited by Labcorp Genetics (formerly Invitae), Labcorp); PubMed 35988656 (cited by Labcorp Genetics (formerly Invitae), Labcorp).

NM_001128425.2(MUTYH):c.36+1G>A

Genes: TOE1 (target of EGR1, exonuclease; plus strand), MUTYH (mutY DNA glycosylase; minus strand). Cytogenetic location: 1p34.1.
Variant type: single nucleotide variant.
Coding change: c.36+1G>A on transcript NM_001128425.2 (MANE Plus Clinical); the canonical splice donor site of the intron after coding-DNA position 36, G replaced by A.
Molecular consequence: splice donor variant. On other transcripts: 5 prime UTR variant (3), intron variant (1).
Genome position (GRCh38, 1-based): chr1:45,340,218, C>T on the plus strand (G>A on the coding strand, the complement: MUTYH is on the minus strand). VCF-style: chr1-45340218-C-T. GRCh37 (hg19) VCF-style: chr1-45805890-C-T.
Other names: c.-35C>T (NM_025077.4); c.-22G>A (NM_001407070.1, NM_001407071.1); c.-7+5G>A (NM_001407072.1); c.-214+1G>A (NM_001350651.2); c.-219+1G>A (NM_001293192.2); c.-278+1G>A (NM_001350650.2); c.36+1G>A (NM_001407073.1, NM_001293190.2, NM_001407069.1 and 1 more transcripts); c.-7+1G>A (NM_001048171.2).
Identifiers: ClinVar variation 485902 (VCV000485902.51), dbSNP rs1553136984, ClinGen allele CA340137825.